The following is an entry in ClinVar:

ClinVar aggregate classification (germline): Likely benign (0 of 4 stars; one submission).

Conditions:
DNAH2-related disorder. Also called: DNAH2-related condition.

Allele frequency attached by ClinVar (database versions not stated): ESP Exome Variant Server 0.00008; 1000 Genomes Project 30x 0.00016; 1000 Genomes Project 0.00020; gnomAD 0.00028; ExAC 0.00040; TOPMed 0.00040; gnomAD exomes 0.00049.
gnomAD v4.1: 752 of 1,614,124 alleles (0.047%); highest among the groups gnomAD compares: Admixed American, 0.098%; no homozygotes.

Submission:

PreventionGenetics, part of Exact Sciences
Classification: Likely benign for DNAH2-related condition. Last evaluated: 2019-03-06. Review status: no assertion criteria provided. Collection method: clinical testing. Allele origin: germline.
Comment: This variant is classified as likely benign based on ACMG/AMP sequence variant interpretation guidelines (Richards et al. 2015 PMID: 25741868, with internal and published modifications).

NM_020877.5(DNAH2):c.10093C>T (p.Arg3365Trp)

Gene: DNAH2 (dynein axonemal heavy chain 2; plus strand). Cytogenetic location: 17p13.1.
Variant type: single nucleotide variant.
Coding change: c.10093C>T on transcript NM_020877.5 (MANE Select); coding-DNA position 10093, C replaced by T.
Protein change: p.Arg3365Trp; replaces arginine 3365 with tryptophan.
Molecular consequence: missense variant.
Genome position (GRCh38, 1-based): chr17:7,817,633, C>T. VCF-style: chr17-7817633-C-T. GRCh37 (hg19) VCF-style: chr17-7720951-C-T.
Other names: short protein forms R3365W.
Identifiers: ClinVar variation 3051555 (VCV003051555.2), dbSNP rs138685987, ClinGen allele CA8358943.